The following is an entry in ClinVar:

ClinVar aggregate classification (germline): Likely pathogenic. Review status: criteria provided, single submitter (1 of 4 stars). 2 submissions from 2 submitters: Likely pathogenic (1). 1 of the submissions does not count toward it. Last evaluated 2022-01-03.

Conditions:
Congenital myasthenic syndrome 21. Also called: Myasthenic syndrome, congenital, 21, presynaptic. Identifiers: MedGen C4310654, MONDO:0014983, OMIM 617239.

Submissions (2):

3billion
Classification: Likely pathogenic for Congenital myasthenic syndrome 21. Last evaluated: 2022-01-03. Review status: criteria provided, single submitter. Criteria: ACMG Guidelines, 2015. Collection method: clinical testing. Allele origin: germline. Affected: yes. Observed: 1 homozygote.
Comment: Same nucleotide change resulting in same amino acid change has been previously reported to be associated with SLC18A3 related disorder (ClinVar ID: VCV000372160, PMID:27590285, PS1_S). It is not observed in the gnomAD v2.1.1 dataset (PM2_M). In silico tool predictions suggest damaging effect of the variant on gene or gene product (REVEL: 0.91, PP3_P). Therefore, this variant is classified as likley pathogenic according to the recommendation of ACMG/AMP guideline.

OMIM
Classification: Pathogenic for MYASTHENIC SYNDROME, CONGENITAL, 21, PRESYNAPTIC. Last evaluated: 2016-12-06. Review status: no assertion criteria provided. Collection method: literature only. Allele origin: germline. Not counted in ClinVar's aggregate classification.

Literature cited by the submitters: PubMed 27590285 (cited by 3billion and OMIM).

NM_003055.3(SLC18A3):c.1192G>C (p.Asp398His)

Genes: CHAT (choline O-acetyltransferase; plus strand), SLC18A3 (solute carrier family 18 member A3; plus strand). Cytogenetic location: 10q11.23.
Variant type: single nucleotide variant.
Coding change: c.1192G>C on transcript NM_003055.3 (MANE Select); coding-DNA position 1192, G replaced by C.
Protein change: p.Asp398His; replaces aspartic acid 398 with histidine.
Molecular consequence: missense variant. On other transcripts: intron variant (1).
Genome position (GRCh38, 1-based): chr10:49,611,932, G>C. VCF-style: chr10-49611932-G-C. GRCh37 (hg19) VCF-style: chr10-50819978-G-C.
Other names: c.-69+2733G>C (NM_020984.4); short protein forms D398H.
Identifiers: ClinVar variation 372160 (VCV000372160.4), dbSNP rs1057517666, ClinGen allele CA16042222.